The following is an entry in ClinVar:

ClinVar aggregate classification (germline): Uncertain significance. Review status: criteria provided, multiple submitters, no conflicts (2 of 4 stars). 2 submissions from 2 submitters: Uncertain significance (2). Last evaluated 2025-07-06.

Conditions:
Cardiovascular phenotype. Identifiers: MedGen CN230736.

Submissions (2):

Ambry Genetics
Classification: Uncertain significance for Cardiovascular phenotype. Last evaluated: 2025-07-06. Review status: criteria provided, single submitter. Criteria: Ambry Variant Classification Scheme 2023. Collection method: clinical testing. Allele origin: germline.
Comment: The p.T1384I variant (also known as c.4151C>T), located in coding exon 6 of the ALPK3 gene, results from a C to T substitution at nucleotide position 4151. The threonine at codon 1384 is replaced by isoleucine, an amino acid with similar properties. This amino acid position is conserved. In addition, this alteration is predicted to be tolerated by in silico analysis. Based on the available evidence, the clinical significance of this variant remains unclear.

Labcorp Genetics (formerly Invitae), Labcorp
Classification: Uncertain significance. Last evaluated: 2025-01-22. Review status: criteria provided, single submitter. Criteria: Invitae Variant Classification Sherloc (09022015). Collection method: clinical testing. Allele origin: germline.
Comment: This sequence change replaces threonine, which is neutral and polar, with isoleucine, which is neutral and non-polar, at codon 1384 of the ALPK3 protein (p.Thr1384Ile). The frequency data for this variant in the population databases is considered unreliable, as metrics indicate poor data quality at this position in the gnomAD database. This variant has not been reported in the literature in individuals affected with ALPK3-related conditions. Invitae Evidence Modeling of protein sequence and biophysical properties (such as structural, functional, and spatial information, amino acid conservation, physicochemical variation, residue mobility, and thermodynamic stability) indicates that this missense variant is not expected to disrupt ALPK3 protein function with a negative predictive value of 80%. In summary, the available evidence is currently insufficient to determine the role of this variant in disease. Therefore, it has been classified as a Variant of Uncertain Significance.

NM_020778.5(ALPK3):c.3545C>T (p.Thr1182Ile)

Gene: ALPK3 (alpha kinase 3; plus strand). Cytogenetic location: 15q25.3.
Variant type: single nucleotide variant.
Coding change: c.3545C>T on transcript NM_020778.5 (MANE Select); coding-DNA position 3545, C replaced by T.
Protein change: p.Thr1182Ile; replaces threonine 1182 with isoleucine.
Molecular consequence: missense variant.
Genome position (GRCh38, 1-based): chr15:84,858,283, C>T. VCF-style: chr15-84858283-C-T. GRCh37 (hg19) VCF-style: chr15-85401514-C-T.
Other names: c.4151C>T (NM_020778.4); short protein forms T1182I.
Identifiers: ClinVar variation 3619258 (VCV003619258.3).